The following is an entry in ClinVar:

NM_000074.3(CD40LG):c.133del (p.Tyr45fs)

Gene: CD40LG (CD40 ligand; plus strand). Cytogenetic location: Xq26.3.
Variant type: Deletion.
Coding change: c.133del on transcript NM_000074.3 (MANE Select); coding-DNA position 133, one base deleted (T; older notation c.133delT).
Protein change: p.Tyr45fs; shifts the reading frame from tyrosine 45.
Molecular consequence: frameshift variant.
Genome position (GRCh38, 1-based): chrX:136,648,381, T deleted. VCF-style (leftmost placement, unchanged base first): chrX-136648380-GT-G. GRCh37 (hg19) VCF-style: chrX-135730539-GT-G.
Other names: short protein forms Y45fs.
Identifiers: ClinVar variation 962343 (VCV000962343.8), dbSNP rs2076095044, ClinGen allele CA1139667803.

ClinVar aggregate classification (germline): Pathogenic (1 of 4 stars; one submission).

Conditions:
Hyper-IgM syndrome type 1. Also called: CD40 Ligand Deficiency; X-linked hyper-IgM syndrome; Immunodeficiency, X-linked, with hyper-IgM; Hyper-IgM Immunodeficiency Syndrome, Type 1. Identifiers: Orphanet 101088, MedGen C0398689, MONDO:0010626, OMIM 308230.

Submission:

Labcorp Genetics (formerly Invitae), Labcorp
Classification: Pathogenic for Hyper-IgM syndrome type 1. Last evaluated: 2019-09-26. Review status: criteria provided, single submitter. Criteria: Invitae Variant Classification Sherloc (09022015). Collection method: clinical testing. Allele origin: germline.
Comment: This variant is not present in population databases (ExAC no frequency). For these reasons, this variant has been classified as Pathogenic. Loss-of-function variants in CD40LG are known to be pathogenic (PMID: 15319456). This variant has not been reported in the literature in individuals with CD40LG-related conditions. This sequence change creates a premature translational stop signal (p.Tyr45Ilefs*9) in the CD40LG gene. It is expected to result in an absent or disrupted protein product.

Literature cited by the submitters: PubMed 15319456.